The following is an entry in ClinVar:

ClinVar aggregate classification (germline): Uncertain significance. Review status: criteria provided, multiple submitters, no conflicts (2 of 4 stars). 2 submissions from 2 submitters: Uncertain significance (2). Last evaluated 2024-02-05.

Allele frequency attached by ClinVar (database versions not stated): gnomAD exomes 0.00001; ExAC 0.00006; ESP Exome Variant Server 0.00008; gnomAD 0.00015; TOPMed 0.00019.

Submissions (2):

Labcorp Genetics (formerly Invitae), Labcorp
Classification: Uncertain significance. Last evaluated: 2024-02-05. Review status: criteria provided, single submitter. Criteria: Invitae Variant Classification Sherloc (09022015). Collection method: clinical testing. Allele origin: germline.
Comment: This sequence change replaces proline, which is neutral and non-polar, with alanine, which is neutral and non-polar, at codon 59 of the LHB protein (p.Pro59Ala). This variant is present in population databases (rs139977671, gnomAD 0.06%). This variant has not been reported in the literature in individuals affected with LHB-related conditions. ClinVar contains an entry for this variant (Variation ID: 1980163). An algorithm developed to predict the effect of missense changes on protein structure and function (PolyPhen-2) suggests that this variant is likely to be tolerated. In summary, the available evidence is currently insufficient to determine the role of this variant in disease. Therefore, it has been classified as a Variant of Uncertain Significance.

Ambry Genetics
Classification: Uncertain significance. Last evaluated: 2023-01-23. Review status: criteria provided, single submitter. Criteria: Ambry Variant Classification Scheme 2023. Collection method: clinical testing. Allele origin: germline.

NM_000894.3(LHB):c.175C>G (p.Pro59Ala)

Gene: LHB (luteinizing hormone subunit beta; minus strand). Cytogenetic location: 19q13.33.
Variant type: single nucleotide variant.
Coding change: c.175C>G on transcript NM_000894.3 (MANE Select); coding-DNA position 175, C replaced by G.
Protein change: p.Pro59Ala; replaces proline 59 with alanine.
Molecular consequence: missense variant.
Genome position (GRCh38, 1-based): chr19:49,016,555, G>C on the plus strand (C>G on the coding strand, the complement: LHB is on the minus strand). VCF-style: chr19-49016555-G-C. GRCh37 (hg19) VCF-style: chr19-49519812-G-C.
Other names: c.175C>G (NM_000894.2); short protein forms P59A.
Identifiers: ClinVar variation 1980163 (VCV001980163.6), dbSNP rs139977671, ClinGen allele CA9564383.
Genomic context (GRCh38, chr19:49,016,555, plus strand): 5'-GTGGGTCTGGCCCTGAGGTGGCAGCATCTGCCCCTGGCCCCAGGCAGCTCACCATGGTGG[G>C]GCAGTAGCCGGCACAGATGGTGGTGTTGACGGTGATGCACACTGGGCAGCCCTCCTTCTC-3'
Protein context (NP_000885.1, residues 49-69): VNTTICAGYC[Pro59Ala]TMMRVLQAVL